The following is an entry in ClinVar:

ClinVar aggregate classification (germline): Uncertain significance (1 of 4 stars; one submission).

Submission:

Ambry Genetics
Classification: Uncertain significance. Last evaluated: 2025-02-10. Review status: criteria provided, single submitter. Criteria: Ambry Variant Classification Scheme 2023. Collection method: clinical testing. Allele origin: germline.
Comment: The p.T2152I variant (also known as c.6455C>T), located in coding exon 27 of the WNK2 gene, results from a C to T substitution at nucleotide position 6455. The threonine at codon 2152 is replaced by isoleucine, an amino acid with similar properties. This amino acid position is conserved. In addition, this alteration is predicted to be tolerated by in silico analysis. Based on the available evidence, the clinical significance of this variant remains unclear.

NM_006648.4(WNK2):c.6455C>T (p.Thr2152Ile)

Gene: WNK2 (WNK lysine deficient protein kinase 2; plus strand). Cytogenetic location: 9q22.31.
Variant type: single nucleotide variant.
Coding change: c.6455C>T on transcript NM_006648.4 (MANE Select); coding-DNA position 6455, C replaced by T.
Protein change: p.Thr2152Ile; replaces threonine 2152 with isoleucine.
Molecular consequence: missense variant.
Genome position (GRCh38, 1-based): chr9:93,308,523, C>T. VCF-style: chr9-93308523-C-T. GRCh37 (hg19) VCF-style: chr9-96070805-C-T.
Other names: c.6566C>T, p.Thr2189Ile (NM_001282394.3); short protein forms T2189I, T2152I.
Identifiers: ClinVar variation 3817057 (VCV003817057.1).